The following is an entry in ClinVar:

NM_006904.7(PRKDC):c.3299T>C (p.Val1100Ala)

Gene: PRKDC (protein kinase, DNA-activated, catalytic subunit; minus strand). Cytogenetic location: 8q11.21.
Variant type: single nucleotide variant.
Coding change: c.3299T>C on transcript NM_006904.7 (MANE Select); coding-DNA position 3299, T replaced by C.
Protein change: p.Val1100Ala; replaces valine 1100 with alanine.
Molecular consequence: missense variant.
Genome position (GRCh38, 1-based): chr8:47,900,438, A>G on the plus strand (T>C on the coding strand, the complement: PRKDC is on the minus strand). VCF-style: chr8-47900438-A-G. GRCh37 (hg19) VCF-style: chr8-48812998-A-G.
Other names: c.3299T>C, p.Val1100Ala (NM_001081640.2); short protein forms V1100A.
Identifiers: ClinVar variation 1729912 (VCV001729912.2), dbSNP rs759696067, ClinGen allele CA4741223.

ClinVar aggregate classification (germline): Uncertain significance (1 of 4 stars; one submission).

Allele frequency attached by ClinVar (database versions not stated): gnomAD exomes below 0.00001; ExAC 0.00001; TOPMed 0.00001.
gnomAD v4.1: 2 of 1,611,258 alleles (0.00012%); highest among the groups gnomAD compares: East Asian, 0.0022%; no homozygotes.

Submission:

Ambry Genetics
Classification: Uncertain significance. Last evaluated: 2022-01-02. Review status: criteria provided, single submitter. Criteria: Ambry Variant Classification Scheme 2023. Collection method: clinical testing. Allele origin: germline.
Comment: The p.V1100A variant (also known as c.3299T>C), located in coding exon 28 of the PRKDC gene, results from a T to C substitution at nucleotide position 3299. The valine at codon 1100 is replaced by alanine, an amino acid with similar properties. This amino acid position is conserved. In addition, this alteration is predicted to be tolerated by in silico analysis. Since supporting evidence is limited at this time, the clinical significance of this alteration remains unclear.